The following is an entry in ClinVar:

ClinVar aggregate classification (germline): not provided (0 of 4 stars; one submission).

Conditions:
Gestational diabetes mellitus uncontrolled. Identifiers: MedGen C3532257.

Submission:

Institute of Molecular and Cell Biology, University of Tartu
No classification provided. Condition: Gestational diabetes mellitus uncontrolled. Review status: no classification provided. Collection method: case-control. Allele origin: unknown. Affected: yes. Study: Kasak2014.
Comment: The study aimed to determine the contribution of copy number variants in the genetic etiology of normal and complicated pregnancies. The samples represented (i) maternal blood DNA drawn from healthy pregnant women during 1st or 2nd trimester and (ii) maternal and paternal blood DNA drawn at term pregnancy cases representing normal and complicated gestations (severe preeclampsia, PE; gestational diabetes, GD; small-for-gestational age newborn, SGA; large-for-gestational age newborn, LGA). We performed CNV calling based on genome-wide genotyping dataset (Illumina HumanOmniExpress-24-v1 BeadChip) by applying three algorithms, QuantiSNP, GADA (Genome Alteration Detection Algorithm) and CNstream in parallel. The acquired CNV calls were merged with HD-CNV (Hotspot Detector for Copy Number Variants) program and only the CNVs predicted by at least two programs, were considered in subsequent analysis.

Literature cited by the submitters: PubMed 25666259.

NC_000007.13:g.9636392_9847642del

Variant type: Deletion.
Identifiers: ClinVar variation 157037 (VCV000157037.2).